The following is an entry in ClinVar:

ClinVar aggregate classification (germline): Likely pathogenic (1 of 4 stars; one submission).

Conditions:
Hereditary cancer-predisposing syndrome. Also called: Neoplastic Syndromes, Hereditary; Tumor predisposition; Hereditary Cancer Syndrome; Hereditary neoplastic syndrome. Identifiers: Orphanet 140162, MedGen C0027672, MeSH D009386, MONDO:0015356.

Submission:

Ambry Genetics
Classification: Likely pathogenic for Hereditary cancer-predisposing syndrome. Last evaluated: 2022-12-27. Review status: criteria provided, single submitter. Criteria: Ambry Variant Classification Scheme 2023. Collection method: clinical testing. Allele origin: germline.
Comment: The c.1607+1delG intronic variant, located in intron 9 of the ATM gene, results from a deletion of one nucleotide within intron 9 of the ATM gene. This nucleotide position is highly conserved in available vertebrate species. In silico splice site analysis predicts that this alteration will weaken the native splice donor site and may result in the creation or strengthening of a novel splice donor site. RNA studies have demonstrated that this alteration results in abnormal splicing in the set of samples tested (Ambry internal data). This alteration is expected to result in loss of function by premature protein truncation or nonsense-mediated mRNA decay. Based on the majority of available evidence to date, this variant is likely to be pathogenic.

NM_000051.4(ATM):c.1607+1del

Gene: ATM (ATM serine/threonine kinase; plus strand). Cytogenetic location: 11q22.3.
Variant type: Deletion.
Coding change: c.1607+1del on transcript NM_000051.4 (MANE Select); the canonical splice donor site of the intron after coding-DNA position 1607, one base deleted (G; older notation c.1607+1delG).
Molecular consequence: splice donor variant.
Genome position (GRCh38, 1-based): chr11:108,251,073, G deleted; the last of 2 consecutive G bases (chr11:108,251,072-108,251,073); deleting either gives the same sequence. VCF-style (leftmost placement, unchanged base first): chr11-108251071-TG-T. GRCh37 (hg19) VCF-style: chr11-108121798-TG-T.
Other names: c.1607+1del (NM_001351834.2).
Identifiers: ClinVar variation 1776302 (VCV001776302.3), dbSNP rs2497254389, ClinGen allele CA2580083783.